The following is an entry in ClinVar:

ClinVar aggregate classification (germline): Benign (1 of 4 stars; one submission).

Allele frequency attached by ClinVar (database versions not stated): 1000 Genomes Project 30x 0.00953; 1000 Genomes Project 0.00998; TOPMed 0.01324; gnomAD 0.01712 and 0.01763.
gnomAD v4.1: 2,590 of 152,302 alleles (1.7%); highest among the groups gnomAD compares: Non-Finnish European, 2.3%; 49 homozygotes.

Submission:

GeneDx
Classification: Benign. Last evaluated: 2018-06-16. Review status: criteria provided, single submitter. Criteria: GeneDx Variant Classification (06012015). Collection method: clinical testing. Allele origin: germline. Affected: yes.
Comment: This variant is considered likely benign or benign based on one or more of the following criteria: it is a conservative change, it occurs at a poorly conserved position in the protein, it is predicted to be benign by multiple in silico algorithms, and/or has population frequency not consistent with disease.

NM_018249.6(CDK5RAP2):c.3148+193G>A

Gene: CDK5RAP2 (CDK5 regulatory subunit associated protein 2; minus strand). Cytogenetic location: 9q33.2.
Variant type: single nucleotide variant.
Coding change: c.3148+193G>A on transcript NM_018249.6 (MANE Select); 193 bases into the intron after coding-DNA position 3148, G replaced by A.
Molecular consequence: intron variant.
Genome position (GRCh38, 1-based): chr9:120,443,427, C>T on the plus strand (G>A on the coding strand, the complement: CDK5RAP2 is on the minus strand). VCF-style: chr9-120443427-C-T. GRCh37 (hg19) VCF-style: chr9-123205705-C-T.
Other names: c.2458+193G>A (NM_001272039.2); c.3148+193G>A (NM_001011649.3).
Identifiers: ClinVar variation 673953 (VCV000673953.1), dbSNP rs10984916, ClinGen allele CA12970087.